The following is an entry in ClinVar:

NM_001367624.2(ZNF469):c.9247A>G (p.Ser3083Gly)

Gene: ZNF469 (zinc finger protein 469; plus strand). Cytogenetic location: 16q24.2.
Variant type: single nucleotide variant.
Coding change: c.9247A>G on transcript NM_001367624.2 (MANE Select); coding-DNA position 9247, A replaced by G.
Protein change: p.Ser3083Gly; replaces serine 3083 with glycine.
Molecular consequence: missense variant.
Genome position (GRCh38, 1-based): chr16:88,436,717, A>G. VCF-style: chr16-88436717-A-G. GRCh37 (hg19) VCF-style: chr16-88503125-A-G.
Other names: NM_001127464.1:c.9163A>G; short protein forms S3083G.
Identifiers: ClinVar variation 2564274 (VCV002564274.2), dbSNP rs2507602415, ClinGen allele CA397121578.

ClinVar aggregate classification (germline): Uncertain significance (1 of 4 stars; one submission).

Conditions:
Cardiovascular phenotype. Identifiers: MedGen CN230736.

Submission:

Ambry Genetics
Classification: Uncertain significance for Cardiovascular phenotype. Last evaluated: 2023-06-03. Review status: criteria provided, single submitter. Criteria: Ambry Variant Classification Scheme 2023. Collection method: clinical testing. Allele origin: germline.
Comment: The p.S3055G variant (also known as c.9163A>G), located in coding exon 2 of the ZNF469 gene, results from an A to G substitution at nucleotide position 9163. The serine at codon 3055 is replaced by glycine, an amino acid with similar properties. This amino acid position is conserved. In addition, this alteration is predicted to be tolerated by in silico analysis. Since supporting evidence is limited at this time, the clinical significance of this alteration remains unclear.